The following is an entry in ClinVar:

ClinVar aggregate classification (germline): Pathogenic (1 of 4 stars; one submission).

Conditions:
Retinoblastoma (RB1). Also called: RETINOBLASTOMA, SOMATIC. Identifiers: Orphanet 790, MedGen C0035335, MeSH D012175, MONDO:0008380, OMIM 180200, HP:0009919. Disease mechanism: loss of function. Inheritance: Both sporadic and heritable forms are tested..

Submission:

Labcorp Genetics (formerly Invitae), Labcorp
Classification: Pathogenic for Retinoblastoma. Last evaluated: 2021-01-30. Review status: criteria provided, single submitter. Criteria: Invitae Variant Classification Sherloc (09022015). Collection method: clinical testing. Allele origin: germline.
Comment: For these reasons, this variant has been classified as Pathogenic. This variant has been observed in individual(s) with retinoblastoma (Invitae). This variant is not present in population databases (ExAC no frequency). This sequence change creates a premature translational stop signal (p.Asp139Glufs*14) in the RB1 gene. It is expected to result in an absent or disrupted protein product. Loss-of-function variants in RB1 are known to be pathogenic (PMID: 17096365).

Literature cited by the submitters: PubMed 17096365.

NM_000321.3(RB1):c.417del (p.Asp139fs)

Gene: RB1 (RB transcriptional corepressor 1; plus strand). Cytogenetic location: 13q14.2.
Variant type: Deletion.
Coding change: c.417del on transcript NM_000321.3 (MANE Select); coding-DNA position 417, one base deleted (T; older notation c.417delT).
Protein change: p.Asp139fs; shifts the reading frame from aspartic acid 139.
Molecular consequence: frameshift variant.
Genome position (GRCh38, 1-based): chr13:48,345,116, T deleted. VCF-style (leftmost placement, unchanged base first): chr13-48345115-AT-A. GRCh37 (hg19) VCF-style: chr13-48919251-AT-A.
Other names: short protein forms D139fs.
Identifiers: ClinVar variation 1454802 (VCV001454802.8), dbSNP rs2138087348, ClinGen allele CA2573149545.
Genomic context (GRCh38, chr13:48,345,115, plus strand): 5'-CTTTTTTCTATTCTTTCCTTTGTAGTGTCCATAAATTCTTTAACTTACTAAAAGAAATTG[AT>A]ACCAGTACCAAAGTTGATAATGCTATGTCAAGACTGTTGAAGAAGTATGATGTATTGTTT-3'